The following is an entry in ClinVar:

NM_001999.4(FBN2):c.4098_4099delinsCA (p.Asp1367Asn)

Gene: FBN2 (fibrillin 2; minus strand). Cytogenetic location: 5q23.3.
Variant type: Indel.
Coding change: c.4098_4099delinsCA on transcript NM_001999.4 (MANE Select); coding-DNA positions 4098 to 4099, AG replaced by CA.
Protein change: p.Asp1367Asn; replaces aspartic acid 1367 with asparagine.
Molecular consequence: missense variant.
Genome position (GRCh38, 1-based): chr5:128,334,719-128,334,720, CT replaced by TG on the plus strand (AG replaced by CA on the coding strand, the reverse complement: FBN2 is on the minus strand). VCF-style: chr5-128334719-CT-TG. GRCh37 (hg19) VCF-style: chr5-127670411-CT-TG.
Other names: short protein forms D1367N.
Identifiers: ClinVar variation 2637818 (VCV002637818.1), dbSNP rs2479796917, ClinGen allele CA2695198735.

ClinVar aggregate classification (germline): Uncertain significance (1 of 4 stars; one submission).

Submission:

Women's Health and Genetics/Laboratory Corporation of America, LabCorp
Classification: Uncertain significance. Last evaluated: 2023-10-19. Review status: criteria provided, single submitter. Criteria: LabCorp Variant Classification Summary - May 2015. Collection method: clinical testing. Allele origin: germline.
Comment: Variant summary: FBN2 c.4098_4099delinsCA (p.Asp1367Asn) results in a conservative amino acid change located in the EGF-like domain (IPR000742) of the encoded protein sequence. Four of five in-silico tools predict a damaging effect of the variant on protein function. This variant alters the last two nucleotides of the non-symmetrical exon 31 adjacent to the canonical intron 31 splice donor site. Several computational tools predict a significant impact on normal splicing: Two predict the variant abolishes the canonical 5' splicing donor site. Two predict the variant weakens the canonical 5' splicing donor site. However, these predictions have yet to be confirmed by functional studies. This variant is a multinucleotide combination of c.4098A>C (p.Thr1366=), classified as a fully concordant benign variant at our laboratory and c.4099G>A (p.Asp1367Asn). Neither c.4098_4099delinsCA (p.Asp1367Asn), nor c.4099G>A (p.Asp1367Asn) in isolation are present in 282764 control chromosomes (gnomAD). To our knowledge, no occurrence of c.4099G>A (p.Asp1367Asn) or the multinucleotide combination c.4098_4099delinsCA in individuals affected with Congenital Contractural Arachnodactyly (CCA) and no experimental evidence demonstrating its impact on protein function have been reported. A different variant c.4099G>C (p.Asp1367His) has been reported in at-least one FBN2-positive proband within a cohort of individuals affected with CCA (PMID: 31316167). However, no functional evidence evaluating an impact on splicing was reported. No submitters have cited clinical-significance assessments for this variant to ClinVar after 2014. Based on the evidence outlined above, the variant was classified as VUS-possibly pathogenic.